The following is an entry in ClinVar:

NM_001042472.3(ABHD12):c.62C>T (p.Ser21Phe)

Genes: ABHD12 (abhydrolase domain containing 12, lysophospholipase; minus strand), LOC130065586 (ATAC-STARR-seq lymphoblastoid silent region 12752; plus strand). Cytogenetic location: 20p11.21.
Variant type: single nucleotide variant.
Coding change: c.62C>T on transcript NM_001042472.3 (MANE Select); coding-DNA position 62, C replaced by T.
Protein change: p.Ser21Phe; replaces serine 21 with phenylalanine.
Molecular consequence: missense variant.
Genome position (GRCh38, 1-based): chr20:25,390,642, G>A on the plus strand (C>T on the coding strand, the complement: ABHD12 is on the minus strand). VCF-style: chr20-25390642-G-A. GRCh37 (hg19) VCF-style: chr20-25371278-G-A.
Other names: c.62C>T (NM_001042472.2); c.62C>T, p.Ser21Phe (NM_015600.5); short protein forms S21F.
Identifiers: ClinVar variation 1497185 (VCV001497185.6), dbSNP rs773035473, ClinGen allele CA9796328.

ClinVar aggregate classification (germline): Uncertain significance. Review status: criteria provided, multiple submitters, no conflicts (2 of 4 stars). 4 submissions from 4 submitters: Uncertain significance (3). 1 of the submissions does not count toward it. Last evaluated 2025-02-26.

Conditions:
Retinal dystrophy. Also called: Inherited retinal dystrophy. Identifiers: Orphanet 71862, MedGen C0854723, MeSH D058499, MONDO:0019118, HP:0000556.

Allele frequency attached by ClinVar (database versions not stated): gnomAD 0.00001; TOPMed 0.00001; gnomAD exomes 0.00018; ExAC 0.00067.
gnomAD v4.1: 49 of 1,449,086 alleles (0.0034%); highest among the groups gnomAD compares: Middle Eastern, 0.046%; 1 homozygote.

Submissions (4):

GeneDx
Classification: Uncertain significance. Last evaluated: 2025-02-26. Review status: criteria provided, single submitter. Criteria: GeneDx Variant Classification Process June 2021. Collection method: clinical testing. Allele origin: germline. Affected: yes.
Comment: Identified in a patient with ataxia who also harbored several other variants in additional genes in published literature (PMID: Algahtani[CaseReport]2017); In silico analysis indicates that this missense variant does not alter protein structure/function; This variant is associated with the following publications: (PMID: Algahtani[CaseReport]2017)

Blueprint Genetics
Classification: Uncertain significance. Last evaluated: 2024-11-12. Review status: criteria provided, single submitter. Criteria: ACMG Guidelines, 2015. Collection method: clinical testing. Allele origin: germline.

Labcorp Genetics (formerly Invitae), Labcorp
Classification: Uncertain significance. Last evaluated: 2021-09-21. Review status: criteria provided, single submitter. Criteria: Invitae Variant Classification Sherloc (09022015). Collection method: clinical testing. Allele origin: germline.
Comment: This sequence change replaces serine with phenylalanine at codon 21 of the ABHD12 protein (p.Ser21Phe). The serine residue is weakly conserved and there is a large physicochemical difference between serine and phenylalanine. While this variant is present in population databases (rs773035473), the frequency information is unreliable, as metrics indicate poor data quality at this position in the ExAC database. This variant has not been reported in the literature in individuals affected with ABHD12-related conditions. Algorithms developed to predict the effect of missense changes on protein structure and function are either unavailable or do not agree on the potential impact of this missense change (SIFT: "Deleterious"; PolyPhen-2: "Benign"; Align-GVGD: "Class C0"). In summary, the available evidence is currently insufficient to determine the role of this variant in disease. Therefore, it has been classified as a Variant of Uncertain Significance.

Institute of Human Genetics, Univ. Regensburg, Univ. Regensburg
Classification: Uncertain significance for Retinal dystrophy. Last evaluated: 2023-01-01. Review status: no assertion criteria provided. Criteria: ACMG Guidelines, 2015. Collection method: clinical testing. Allele origin: germline. Affected: yes. Not counted in ClinVar's aggregate classification.